The following is an entry in ClinVar:

ClinVar aggregate classification (germline): Uncertain significance (1 of 4 stars; one submission).

Conditions:
Hereditary cancer-predisposing syndrome. Also called: Neoplastic Syndromes, Hereditary; Tumor predisposition; Hereditary neoplastic syndrome; Hereditary Cancer Syndrome. Identifiers: Orphanet 140162, MedGen C0027672, MeSH D009386, MONDO:0015356.

Submission:

Ambry Genetics
Classification: Uncertain significance for Hereditary cancer-predisposing syndrome. Last evaluated: 2026-07-27. Review status: criteria provided, single submitter. Criteria: Ambry Variant Classification Scheme 2023. Collection method: clinical testing. Allele origin: germline.
Comment: The p.R720G variant (also known as c.2158C>G), located in coding exon 17 of the BAP1 gene, results from a C to G substitution at nucleotide position 2158. The arginine at codon 720 is replaced by glycine, an amino acid with dissimilar properties. This amino acid position is conserved. In addition, this alteration is predicted to be tolerated by in silico analysis. Based on the available evidence, the clinical significance of this variant remains unclear.

NM_004656.4(BAP1):c.2158C>G (p.Arg720Gly)

Gene: BAP1 (BRCA1 associated deubiquitinase 1; minus strand). Cytogenetic location: 3p21.1.
Variant type: single nucleotide variant.
Coding change: c.2158C>G on transcript NM_004656.4 (MANE Select); coding-DNA position 2158, C replaced by G.
Protein change: p.Arg720Gly; replaces arginine 720 with glycine.
Molecular consequence: missense variant.
Genome position (GRCh38, 1-based): chr3:52,402,320, G>C on the plus strand (C>G on the coding strand, the complement: BAP1 is on the minus strand). VCF-style: chr3-52402320-G-C. GRCh37 (hg19) VCF-style: chr3-52436336-G-C.
Other names: c.2104C>G, p.Arg702Gly (NM_001410772.1); short protein forms R702G, R720G.
Identifiers: ClinVar variation 5032742 (VCV005032742.1).
Genomic context (GRCh38, chr3:52,402,320, plus strand): 5'-TGGGCTGCAGAGTCAGGGCCAGCAGTCCTCACTGGCGCTTGGCCTTGTAGGGGCGAGAGC[G>C]TTTCCGCCGGTCAGGCTTCCGCTGCTTGTGGAGCCGGCCGATGCTGACCCCTTGGCGCCG-3'
Protein context (NP_004647.1, residues 710-729): HKQRKPDRRK[Arg720Gly]SRPYKAKRQ